The following is an entry in ClinVar:

NM_004415.4(DSP):c.7217C>G (p.Ser2406Ter)

Gene: DSP (desmoplakin; plus strand). Cytogenetic location: 6p24.3.
Variant type: single nucleotide variant.
Coding change: c.7217C>G on transcript NM_004415.4 (MANE Select); coding-DNA position 7217, C replaced by G.
Protein change: p.Ser2406Ter; replaces serine 2406 with a stop codon.
Molecular consequence: nonsense.
Genome position (GRCh38, 1-based): chr6:7,584,479, C>G. VCF-style: chr6-7584479-C-G. GRCh37 (hg19) VCF-style: chr6-7584712-C-G.
Other names: c.5420C>G, p.Ser1807Ter (NM_001008844.3); c.5888C>G, p.Ser1963Ter (NM_001319034.2); short protein forms S1807*, S1963*, S2406*.
Identifiers: ClinVar variation 1326970 (VCV001326970.16), dbSNP rs2113701867, ClinGen allele CA362692500.
Genomic context (GRCh38, chr6:7,584,479, plus strand): 5'-TACCAGTTGACATAGCATATAAGAGGGGCTATTTCAATGAGGAACTCAGTGAGATTCTCT[C>G]AGATCCAAGTGATGATACCAAAGGATTTTTTGACCCCAACACTGAAGAAAATCTTACCTA-3'

ClinVar aggregate classification (germline): Pathogenic/Likely pathogenic. Review status: criteria provided, multiple submitters, no conflicts (2 of 4 stars). 6 submissions from 6 submitters: Pathogenic (2); Likely pathogenic (4). Last evaluated 2025-04-02.

Conditions:
Cardiovascular phenotype. Identifiers: MedGen CN230736.
DSP-related disorder. Also called: DSP-related disorders; DSP-related condition.
Arrhythmogenic cardiomyopathy with wooly hair and keratoderma. Also called: Carvajal syndrome; Dilated cardiomyopathy with woolly hair and keratoderma; Arrhythmogenic cardiomyopathy with woolly hair and keratoderma; PALMOPLANTAR KERATODERMA WITH LEFT VENTRICULAR CARDIOMYOPATHY AND WOOLLY HAIR. Identifiers: Orphanet 65282, MedGen C1854063, MONDO:0011581, OMIM 605676.
Arrhythmogenic right ventricular dysplasia 8 (ARVD8). Also called: Arrhythmogenic Right Ventricular Dysplasia/Cardiomyopathy 8; ARRHYTHMOGENIC RIGHT VENTRICULAR DYSPLASIA, FAMILIAL, 8; ARRHYTHMOGENIC RIGHT VENTRICULAR CARDIOMYOPATHY 8. Identifiers: MedGen C1843896, MONDO:0011831, OMIM 607450.
Cardiomyopathy (CMYO). Also called: Cardiomyopathies. Identifiers: Orphanet 167848, MedGen C0878544, MONDO:0004994, HP:0001638. Inheritance: Various modes of inheritance.

Submissions (6):

Ambry Genetics
Classification: Pathogenic for Cardiovascular phenotype. Last evaluated: 2025-04-02. Review status: criteria provided, single submitter. Criteria: Ambry Variant Classification Scheme 2023. Collection method: clinical testing. Allele origin: germline.
Comment: The p.S2406* pathogenic mutation (also known as c.7217C>G), located in coding exon 24 of the DSP gene, results from a C to G substitution at nucleotide position 7217. This changes the amino acid from a serine to a stop codon within coding exon 24. This alteration occurs at the 3' terminus of the DSP gene, is not expected to trigger nonsense-mediated mRNA decay, and only impacts the last 16% of the protein. However, premature stop codons are typically deleterious in nature and the impacted region is critical for protein function (Ambry internal data). Alterations in DSP that result in haploinsufficiency or protein truncation have been reported in patients with arrhythmogenic right ventricular cardiomyopathy (ARVC) and dilated cardiomyopathy (DCM) (Fressart V et al. Europace. 2010;12(6):861-8; Elliott P et al. Circ Cardiovasc Genet. 2010;3(4):314-22; Quarta G et al. Circulation. 2011;123(23):2701-9; Garcia-Pavia P et al. Heart. 2011;97(21):1744-52; Rasmussen TB et al. Clin Genet. 2013;84(1):20-30; Pugh TJ et al. Genet Med. 2014;16(8):601-8). This variant was reported in individual(s) with features consistent with ARVC (Protonotarios A et al. Europace, 2016 Apr;18:610-6). This variant is considered to be rare based on population cohorts in the Genome Aggregation Database (gnomAD). Based on the supporting evidence, this variant is interpreted as a disease-causing mutation.

Blueprint Genetics
Classification: Likely pathogenic for DSP-related disorders. Last evaluated: 2024-11-11. Review status: criteria provided, single submitter. Criteria: ACMG Guidelines, 2015. Collection method: clinical testing. Allele origin: germline. Affected: yes. Observed: 4 variant alleles.

Labcorp Genetics (formerly Invitae), Labcorp
Classification: Pathogenic for Arrhythmogenic cardiomyopathy with wooly hair and keratoderma; Arrhythmogenic right ventricular dysplasia 8. Last evaluated: 2023-11-09. Review status: criteria provided, single submitter. Criteria: Invitae Variant Classification Sherloc (09022015). Collection method: clinical testing. Allele origin: germline.
Comment: This sequence change creates a premature translational stop signal (p.Ser2406*) in the DSP gene. While this is not anticipated to result in nonsense mediated decay, it is expected to disrupt the last 466 amino acid(s) of the DSP protein. This variant is not present in population databases (gnomAD no frequency). This premature translational stop signal has been observed in individual(s) with arrhythmogenic right ventricular cardiomyopathy (PMID: 25825460). ClinVar contains an entry for this variant (Variation ID: 1326970). This variant disrupts a region of the DSP protein in which other variant(s) (p.Glu2728Glyfs*11) have been determined to be pathogenic (Invitae). This suggests that this is a clinically significant region of the protein, and that variants that disrupt it are likely to be disease-causing. For these reasons, this variant has been classified as Pathogenic.

All of Us Research Program, National Institutes of Health
Classification: Likely pathogenic for Arrhythmogenic cardiomyopathy with wooly hair and keratoderma. Last evaluated: 2023-08-15. Review status: criteria provided, single submitter. Criteria: ACMG Guidelines, 2015. Collection method: clinical testing. Allele origin: germline. Inheritance: Autosomal dominant inheritance. Observed: 2 variant alleles, 2 heterozygotes.
Comment: This variant changes 1 nucleotide in exon 24 of the DSP gene, creating a premature translation stop signal in the last exon. This variant is predicted to escape nonsense-mediated decay and be expressed as a truncated protein with disrupted plakin repeat domain B (a.a. 2244-2446) and downstream C-terminal sequence that have been reported to be essential for interaction with intermediate filaments (PMID: 12101406, 12802069, 21756917). This variant has been reported in an individual suspected of having DSP-related arrhythmogenic right ventricular cardiomyopathy (ClinVar SCV002029239.2). This variant has not been identified in the general population by the Genome Aggregation Database (gnomAD). Loss of DSP function is a known mechanism of disease. Based on the available evidence, this variant is classified as Likely Pathogenic.

This study involves interpretation of variants in research participants for the purpose of population health screening. Participant phenotype was not available at the time of variant classification. Additional details can be found in publication PMID: 35346344, PMCID: PMC8962531

Color Diagnostics, LLC DBA Color Health
Classification: Likely pathogenic for Cardiomyopathy. Last evaluated: 2023-06-20. Review status: criteria provided, single submitter. Criteria: ACMG Guidelines, 2015. Collection method: clinical testing. Allele origin: germline.
Comment: This variant changes 1 nucleotide in exon 24 of the DSP gene, creating a premature translation stop signal in the last exon. This variant is predicted to escape nonsense-mediated decay and be expressed as a truncated protein with disrupted plakin repeat domain B (a.a. 2244-2446) and downstream C-terminal sequence that have been reported to be essential for interaction with intermediate filaments (PMID: 12101406, 12802069, 21756917). This variant has been reported in an individual suspected of having arrhythmogenic right ventricular cardiomyopathy (ClinVar SCV002029239.2). This variant has not been identified in the general population by the Genome Aggregation Database (gnomAD). Loss of DSP function is a known mechanism of disease. Based on the available evidence, this variant is classified as Likely Pathogenic.

Molecular Genetics, Royal Melbourne Hospital
Classification: Likely pathogenic for Arrhythmogenic cardiomyopathy with wooly hair and keratoderma. Last evaluated: 2023-03-30. Review status: criteria provided, single submitter. Criteria: ACMG Guidelines, 2015. Collection method: clinical testing. Allele origin: germline. Affected: yes.
Comment: This sequence change in DSP is a nonsense variant that may cause a premature stop codon (p.(Ser2406*)) that is predicted to escape nonsense mediated decay, however it is a truncation of a functionally important region (removes 466 amino acids) in a gene where loss-of-function is an established disease mechanism (PMID: 28527814, 32005173). This variant is absent from gnomAD v2.1 and v3.1. To our knowledge, this variant has not been reported in the literature in any individuals with DSP-related disease. At least one patient with this variant displayed a phentoype highly consistent with DSP-related arrhythmogenic right ventricular cardiomyopathy (Royal Melbourne Hospital). Based on the classification scheme RMH Modified ACMG Guidelines v1.4.0, this variant is classified as LIKELY PATHOGENIC. Following criteria are met: PVS1_Strong, PM2_Supporting, PP4.

Literature cited by the submitters: PubMed 25825460 (cited by Ambry Genetics and Labcorp Genetics (formerly Invitae), Labcorp); PubMed 12101406 (cited by All of Us Research Program, National Institutes of Health and Color Diagnostics, LLC DBA Color Health); PubMed 12802069 (cited by All of Us Research Program, National Institutes of Health and Color Diagnostics, LLC DBA Color Health); PubMed 21756917 (cited by All of Us Research Program, National Institutes of Health and Color Diagnostics, LLC DBA Color Health); PubMed 28527814 (cited by Molecular Genetics, Royal Melbourne Hospital); PubMed 32005173 (cited by Molecular Genetics, Royal Melbourne Hospital).